The following is an entry in ClinVar:

NM_018474.6(KIZ):c.706dup (p.Met236fs)

Gene: KIZ (kizuna centrosomal protein; plus strand). Cytogenetic location: 20p11.23.
Variant type: Duplication.
Coding change: c.706dup on transcript NM_018474.6 (MANE Select); coding-DNA position 706, one base duplicated (A; older notation c.706dupA).
Protein change: p.Met236fs; shifts the reading frame from methionine 236.
Molecular consequence: frameshift variant.
Genome position (GRCh38, 1-based): chr20:21,162,171, A duplicated; the last of 4 consecutive A bases (chr20:21,162,168-21,162,171); duplicating any one gives the same sequence. VCF-style (leftmost placement, unchanged base first): chr20-21162167-G-GA. GRCh37 (hg19) VCF-style: chr20-21142808-G-GA.
Other names: c.397dup, p.Met133fs (NM_001163022.3, NM_001352435.2); c.307dup, p.Met103fs (NM_001163023.3); c.559dup, p.Met187fs (NM_001276389.2); c.706dup, p.Met236fs (NM_001352434.2); c.364dup, p.Met122fs (NM_001352436.2); short protein forms M187fs, M236fs, M103fs, M122fs, M133fs.
Identifiers: ClinVar variation 864603 (VCV000864603.7), dbSNP rs762733814, ClinGen allele CA9784694.

ClinVar aggregate classification (germline): Pathogenic (1 of 4 stars; one submission).

Submission:

Labcorp Genetics (formerly Invitae), Labcorp
Classification: Pathogenic. Last evaluated: 2022-07-06. Review status: criteria provided, single submitter. Criteria: Invitae Variant Classification Sherloc (09022015). Collection method: clinical testing. Allele origin: germline.
Comment: ClinVar contains an entry for this variant (Variation ID: 864603). For these reasons, this variant has been classified as Pathogenic. This variant has not been reported in the literature in individuals affected with KIZ-related conditions. This variant is present in population databases (rs762733814, gnomAD 0.02%). This sequence change creates a premature translational stop signal (p.Met236Asnfs*10) in the KIZ gene. It is expected to result in an absent or disrupted protein product. Loss-of-function variants in KIZ are known to be pathogenic (PMID: 24680887, 29057815).

Literature cited by the submitters: PubMed 24680887; PubMed 29057815.